The following is an entry in ClinVar:

ClinVar aggregate classification (germline): Likely pathogenic (1 of 4 stars; one submission).

Conditions:
Myopathy, myosin storage, autosomal recessive (CMYO7B). Also called: CONGENITAL MYOPATHY 7B, MYOSIN STORAGE, AUTOSOMAL RECESSIVE. Identifiers: Orphanet 636970, MedGen C1850709, MONDO:0009708, OMIM 255160.
Dilated cardiomyopathy 1S (CMD1S). Identifiers: Orphanet 154, Orphanet 54260, MedGen C1834481, MONDO:0013262, OMIM 613426.
Myosin storage myopathy (CMYO7A). Also called: Scapuloperoneal myopathy, MYH7-related; MYOPATHY, HYALINE BODY, AUTOSOMAL DOMINANT; MYOPATHY WITH LYSIS OF TYPE I MYOFIBRILS; SCAPULOPERONEAL MUSCULAR DYSTROPHY; SCAPULOPERONEAL SYNDROME, MYOPATHIC TYPE; MYH7-related late-onset scapuloperoneal muscular dystrophy. Identifiers: Orphanet 437572, Orphanet 636965, MedGen C1842160, MONDO:0008409, OMIM 608358.
MYH7-related skeletal myopathy. Also called: MYOPATHY, DISTAL, EARLY-ONSET, AUTOSOMAL DOMINANT; MYOPATHY, LATE DISTAL HEREDITARY; Myopathy, distal, 1; Laing distal myopathy; Laing early-onset distal myopathy. Identifiers: Orphanet 59135, MedGen C4552004, MONDO:0008050, OMIM 160500.
Hypertrophic cardiomyopathy 1 (CMH1). Also called: Familial hypertrophic cardiomyopathy 1; MYH7-Related Familial Hypertrophic Cardiomyopathy. Identifiers: MedGen C3495498, MONDO:0008647, OMIM 192600.

Submission:

Institute of Immunology and Genetics Kaiserslautern
Classification: Likely pathogenic for Dilated cardiomyopathy 1S; Hypertrophic cardiomyopathy 1; Myosin storage myopathy; Myopathy, myosin storage, autosomal recessive; MYH7-related skeletal myopathy. Last evaluated: 2026-01-08. Review status: criteria provided, single submitter. Criteria: ACMG Guidelines, 2015. Collection method: clinical testing. Allele origin: maternal. Affected: yes.
Comment: ACMG Criteria: PM1, PM2_P, PM5, PP3; Variant was found in heterozygous state.

NM_000257.4(MYH7):c.1427T>A (p.Leu476His)

Gene: MYH7 (myosin heavy chain 7; minus strand). Cytogenetic location: 14q11.2.
Variant type: single nucleotide variant.
Coding change: c.1427T>A on transcript NM_000257.4 (MANE Select); coding-DNA position 1427, T replaced by A.
Protein change: p.Leu476His; replaces leucine 476 with histidine.
Molecular consequence: missense variant.
Genome position (GRCh38, 1-based): chr14:23,428,651, A>T on the plus strand (T>A on the coding strand, the complement: MYH7 is on the minus strand). VCF-style: chr14-23428651-A-T. GRCh37 (hg19) VCF-style: chr14-23897860-A-T.
Other names: c.1427T>A, p.Leu476His (NM_001407004.1); short protein forms L476H.
Identifiers: ClinVar variation 4851456 (VCV004851456.1).